The following is an entry in ClinVar:

ClinVar aggregate classification (germline): Uncertain significance (1 of 4 stars; one submission).

Conditions:
Autosomal recessive limb-girdle muscular dystrophy type 2J (LGMDR10). Also called: Limb-girdle muscular dystrophy, type 2J; MUSCULAR DYSTROPHY, LIMB-GIRDLE, AUTOSOMAL RECESSIVE 10. Identifiers: Orphanet 140922, MedGen C1837342, MONDO:0012127, OMIM 608807.
Dilated cardiomyopathy 1G (CMD1G). Identifiers: Orphanet 154, MedGen C1858763, MONDO:0011400, OMIM 604145.

Allele frequency attached by ClinVar (database versions not stated): TOPMed 0.00001.

Submission:

Labcorp Genetics (formerly Invitae), Labcorp
Classification: Uncertain significance for Dilated cardiomyopathy 1G; Autosomal recessive limb-girdle muscular dystrophy type 2J. Last evaluated: 2023-02-17. Review status: criteria provided, single submitter. Criteria: Invitae Variant Classification Sherloc (09022015). Collection method: clinical testing. Allele origin: germline.
Comment: This sequence change replaces arginine, which is basic and polar, with threonine, which is neutral and polar, at codon 34599 of the TTN protein (p.Arg34599Thr). This variant is not present in population databases (gnomAD no frequency). This variant has not been reported in the literature in individuals affected with TTN-related conditions. ClinVar contains an entry for this variant (Variation ID: 535023). Experimental studies and prediction algorithms are not available or were not evaluated, and the functional significance of this variant is currently unknown. This variant is located in the M band of TTN (PMID: 25589632). Variants in this region may be relevant for neuromuscular disorders, but have not been definitively shown to cause cardiomyopathy (PMID: 23975875). In summary, the available evidence is currently insufficient to determine the role of this variant in disease. Therefore, it has been classified as a Variant of Uncertain Significance.

Literature cited by the submitters: PubMed 25589632; PubMed 23975875.

NM_001267550.2(TTN):c.103796G>C (p.Arg34599Thr)

Genes: TTN-AS1 (TTN antisense RNA 1; plus strand), TTN (titin; minus strand). Cytogenetic location: 2q31.2.
Variant type: single nucleotide variant.
Coding change: c.103796G>C on transcript NM_001267550.2 (MANE Select); coding-DNA position 103796, G replaced by C.
Protein change: p.Arg34599Thr; replaces arginine 34599 with threonine.
Molecular consequence: missense variant.
Genome position (GRCh38, 1-based): chr2:178,532,819, C>G on the plus strand (G>C on the coding strand, the complement: TTN is on the minus strand). VCF-style: chr2-178532819-C-G. GRCh37 (hg19) VCF-style: chr2-179397546-C-G.
Other names: c.98873G>C, p.Arg32958Thr (NM_001256850.1); c.76601G>C, p.Arg25534Thr (NM_003319.4); c.96092G>C, p.Arg32031Thr (NM_133378.4); c.76976G>C, p.Arg25659Thr (NM_133432.3); c.77177G>C, p.Arg25726Thr (NM_133437.4); short protein forms R34599T, R32031T, R25534T, R25726T, R25659T, R32958T.
Identifiers: ClinVar variation 535023 (VCV000535023.7), dbSNP rs1362778188, ClinGen allele CA349413496.